The following is an entry in ClinVar:

NM_182931.3(KMT2E):c.936C>G (p.Asp312Glu)

Gene: KMT2E (lysine methyltransferase 2E (inactive); plus strand). Cytogenetic location: 7q22.3.
Variant type: single nucleotide variant.
Coding change: c.936C>G on transcript NM_182931.3 (MANE Select); coding-DNA position 936, C replaced by G.
Protein change: p.Asp312Glu; replaces aspartic acid 312 with glutamic acid.
Molecular consequence: missense variant.
Genome position (GRCh38, 1-based): chr7:105,077,130, C>G. VCF-style: chr7-105077130-C-G. GRCh37 (hg19) VCF-style: chr7-104717577-C-G.
Other names: c.936C>G, p.Asp312Glu (NM_001410908.1, NM_018682.4); short protein forms D312E.
Identifiers: ClinVar variation 3686302 (VCV003686302.2).

ClinVar aggregate classification (germline): Uncertain significance (1 of 4 stars; one submission).

gnomAD v4.1: 1 of 1,613,738 alleles (0.000062%); no homozygotes.

Submission:

Labcorp Genetics (formerly Invitae), Labcorp
Classification: Uncertain significance. Last evaluated: 2024-10-21. Review status: criteria provided, single submitter. Criteria: Invitae Variant Classification Sherloc (09022015). Collection method: clinical testing. Allele origin: germline.
Comment: This sequence change replaces aspartic acid, which is acidic and polar, with glutamic acid, which is acidic and polar, at codon 312 of the KMT2E protein (p.Asp312Glu). This variant is not present in population databases (gnomAD no frequency). This variant has not been reported in the literature in individuals affected with KMT2E-related conditions. Invitae Evidence Modeling of protein sequence and biophysical properties (such as structural, functional, and spatial information, amino acid conservation, physicochemical variation, residue mobility, and thermodynamic stability) indicates that this missense variant is not expected to disrupt KMT2E protein function with a negative predictive value of 80%. In summary, the available evidence is currently insufficient to determine the role of this variant in disease. Therefore, it has been classified as a Variant of Uncertain Significance.